The following is an entry in ClinVar:

ClinVar aggregate classification (germline): Pathogenic/Likely pathogenic. Review status: criteria provided, multiple submitters, no conflicts (2 of 4 stars). 2 submissions from 2 submitters: Pathogenic (1); Likely pathogenic (1). Last evaluated 2025-06-16.

Conditions:
Autosomal recessive osteopetrosis 1. Also called: ALBERS-SCHONBERG DISEASE, AUTOSOMAL RECESSIVE; TCIRG1-Related Autosomal Recessive Osteopetrosis; TCIRG1-Related Osteopetrosis. Identifiers: Orphanet 667, MedGen C1850127, MONDO:0009815, OMIM 259700.

Submissions (2):

Labcorp Genetics (formerly Invitae), Labcorp
Classification: Pathogenic. Last evaluated: 2025-06-16. Review status: criteria provided, single submitter. Criteria: Invitae Variant Classification Sherloc (09022015). Collection method: clinical testing. Allele origin: germline.
Comment: This sequence change creates a premature translational stop signal (p.Gly458Alafs*70) in the TCIRG1 gene. It is expected to result in an absent or disrupted protein product. Loss-of-function variants in TCIRG1 are known to be pathogenic (PMID: 10888887, 10942435, 11532986, 19448635). This variant is not present in population databases (gnomAD no frequency). This premature translational stop signal has been observed in individual(s) with osteopetrosis (PMID: 30539151). It has also been observed to segregate with disease in related individuals. ClinVar contains an entry for this variant (Variation ID: 1073552). For these reasons, this variant has been classified as Pathogenic.

Juno Genomics, Hangzhou Juno Genomics, Inc
Classification: Likely pathogenic for Autosomal recessive osteopetrosis 1. Review status: criteria provided, single submitter. Criteria: ACMG Guidelines, 2015. Collection method: clinical testing. Allele origin: germline. Affected: yes.
Comment: Absent from controls (or at extremely low frequency if recessive) in Genome Aggregation Database, Exome Sequencing Project, 1000 Genomes Project, or Exome Aggregation Consortium.;Null variant in a gene where loss of function (LOF) is a known mechanism of disease.

Literature cited by the submitters: PubMed 10888887 (cited by Labcorp Genetics (formerly Invitae), Labcorp); PubMed 10942435 (cited by Labcorp Genetics (formerly Invitae), Labcorp); PubMed 11532986 (cited by Labcorp Genetics (formerly Invitae), Labcorp); PubMed 19448635 (cited by Labcorp Genetics (formerly Invitae), Labcorp); PubMed 30539151 (cited by Labcorp Genetics (formerly Invitae), Labcorp).

NM_006019.4(TCIRG1):c.1371del (p.Gly458fs)

Gene: TCIRG1 (T cell immune regulator 1, ATPase H+ transporting V0 subunit a3; plus strand). Cytogenetic location: 11q13.2.
Variant type: Deletion.
Coding change: c.1371del on transcript NM_006019.4 (MANE Select); coding-DNA position 1371, one base deleted (C; older notation c.1371delC).
Protein change: p.Gly458fs; shifts the reading frame from glycine 458.
Molecular consequence: frameshift variant.
Genome position (GRCh38, 1-based): chr11:68,047,712, C deleted; the last of 2 consecutive C bases (chr11:68,047,711-68,047,712); deleting either gives the same sequence. VCF-style (leftmost placement, unchanged base first): chr11-68047710-AC-A. GRCh37 (hg19) VCF-style: chr11-67815177-AC-A.
Other names: c.477del, p.Gly160fs (NM_001351059.2); c.723del, p.Gly242fs (NM_006053.4); short protein forms G160fs, G242fs, G458fs.
Identifiers: ClinVar variation 1073552 (VCV001073552.11), dbSNP rs2134455254, ClinGen allele CA2499221249.